The following is an entry in ClinVar:

ClinVar aggregate classification (germline): Uncertain significance (1 of 4 stars; one submission).

Submission:

Labcorp Genetics (formerly Invitae), Labcorp
Classification: Uncertain significance. Last evaluated: 2024-02-24. Review status: criteria provided, single submitter. Criteria: Invitae Variant Classification Sherloc (09022015). Collection method: clinical testing. Allele origin: germline.
Comment: This sequence change falls in intron 3 of the HPS4 gene. It does not directly change the encoded amino acid sequence of the HPS4 protein. It affects a nucleotide within the consensus splice site. This variant is not present in population databases (gnomAD no frequency). This variant has not been reported in the literature in individuals affected with HPS4-related conditions. ClinVar contains an entry for this variant (Variation ID: 1465532). Variants that disrupt the consensus splice site are a relatively common cause of aberrant splicing (PMID: 17576681, 9536098). Algorithms developed to predict the effect of sequence changes on RNA splicing suggest that this variant may disrupt the consensus splice site. In summary, the available evidence is currently insufficient to determine the role of this variant in disease. Therefore, it has been classified as a Variant of Uncertain Significance.

Literature cited by the submitters: PubMed 17576681; PubMed 9536098.

NM_022081.6(HPS4):c.132+5G>A

Gene: HPS4 (HPS4 biogenesis of lysosomal organelles complex 3 subunit 2; minus strand). Cytogenetic location: 22q12.1.
Variant type: single nucleotide variant.
Coding change: c.132+5G>A on transcript NM_022081.6 (MANE Select); 5 bases into the intron after coding-DNA position 132, G replaced by A.
Molecular consequence: intron variant.
Genome position (GRCh38, 1-based): chr22:26,479,260, C>T on the plus strand (G>A on the coding strand, the complement: HPS4 is on the minus strand). VCF-style: chr22-26479260-C-T. GRCh37 (hg19) VCF-style: chr22-26875226-C-T.
Other names: c.132+5G>A (NM_001349905.1, NM_001349904.2, NM_001349902.1 and 6 more transcripts); c.117+5G>A (NM_152841.2).
Identifiers: ClinVar variation 1465532 (VCV001465532.6), dbSNP rs2146977957, ClinGen allele CA2573157917.